The following is an entry in ClinVar:

ClinVar aggregate classification (germline): Uncertain significance. Review status: criteria provided, multiple submitters, no conflicts (2 of 4 stars). 2 submissions from 2 submitters: Uncertain significance (2). Last evaluated 2022-08-03.

Conditions:
Holoprosencephaly 5 (HPE5). Identifiers: Orphanet 2162, MedGen C1864827, MONDO:0012322, OMIM 609637.

Allele frequency attached by ClinVar (database versions not stated): TOPMed below 0.00001.

Submissions (2):

Labcorp Genetics (formerly Invitae), Labcorp
Classification: Uncertain significance for Holoprosencephaly 5. Last evaluated: 2022-08-03. Review status: criteria provided, single submitter. Criteria: Invitae Variant Classification Sherloc (09022015). Collection method: clinical testing. Allele origin: germline.
Comment: This variant is not present in population databases (gnomAD no frequency). This sequence change replaces lysine, which is basic and polar, with asparagine, which is neutral and polar, at codon 270 of the ZIC2 protein (p.Lys270Asn). This variant has not been reported in the literature in individuals affected with ZIC2-related conditions. Algorithms developed to predict the effect of missense changes on protein structure and function (SIFT, PolyPhen-2, Align-GVGD) all suggest that this variant is likely to be disruptive. In summary, the available evidence is currently insufficient to determine the role of this variant in disease. Therefore, it has been classified as a Variant of Uncertain Significance.

Revvity Omics, Revvity
Classification: Uncertain significance for Holoprosencephaly 5. Last evaluated: 2021-04-19. Review status: criteria provided, single submitter. Criteria: ACMG Guidelines, 2015. Collection method: clinical testing. Allele origin: germline.

NM_007129.5(ZIC2):c.810G>C (p.Lys270Asn)

Gene: ZIC2 (Zic family zinc finger 2; plus strand). Cytogenetic location: 13q32.3.
Variant type: single nucleotide variant.
Coding change: c.810G>C on transcript NM_007129.5 (MANE Select); coding-DNA position 810, G replaced by C.
Protein change: p.Lys270Asn; replaces lysine 270 with asparagine.
Molecular consequence: missense variant.
Genome position (GRCh38, 1-based): chr13:99,982,874, G>C. VCF-style: chr13-99982874-G-C. GRCh37 (hg19) VCF-style: chr13-100635128-G-C.
Other names: short protein forms K270N.
Identifiers: ClinVar variation 2063514 (VCV002063514.7), dbSNP rs2053243680, ClinGen allele CA388638124.
Genomic context (GRCh38, chr13:99,982,874, plus strand): 5'-GTGCATCAAGCAGGAGCTAATCTGCAAGTGGATCGACCCCGAGCAACTGAGCAATCCCAA[G>C]AAGAGCTGCAACAAAACTTTCAGCACCATGCACGAGCTGGTGACACACGTCTCGGTGGAG-3'
Protein context (NP_009060.2, residues 260-280): WIDPEQLSNP[Lys270Asn]KSCNKTFSTM